The following is an entry in ClinVar:

ClinVar aggregate classification (germline): Uncertain significance (1 of 4 stars; one submission).

Submission:

Ambry Genetics
Classification: Uncertain significance. Last evaluated: 2025-09-05. Review status: criteria provided, single submitter. Criteria: Ambry Variant Classification Scheme 2023. Collection method: clinical testing. Allele origin: germline.
Comment: The c.64G>A (p.A22T) alteration is located in exon (coding exon ) of the SAMD1 gene. This alteration results from a G to A substitution at nucleotide position 64, causing the alanine (A) at amino acid position 22 to be replaced by a threonine (T). Based on insufficient or conflicting evidence, the clinical significance of this alteration remains unclear.

NM_138352.3(SAMD1):c.64G>A (p.Ala22Thr)

Genes: SAMD1 (sterile alpha motif domain containing 1; minus strand), LOC130063760 (ATAC-STARR-seq lymphoblastoid silent region 10229; plus strand). Cytogenetic location: 19p13.12.
Variant type: single nucleotide variant.
Coding change: c.64G>A on transcript NM_138352.3 (MANE Select); coding-DNA position 64, G replaced by A.
Protein change: p.Ala22Thr; replaces alanine 22 with threonine.
Molecular consequence: missense variant.
Genome position (GRCh38, 1-based): chr19:14,090,357, C>T on the plus strand (G>A on the coding strand, the complement: SAMD1 is on the minus strand). VCF-style: chr19-14090357-C-T. GRCh37 (hg19) VCF-style: chr19-14201169-C-T.
Other names: short protein forms A22T.
Identifiers: ClinVar variation 2569513 (VCV002569513.3), dbSNP rs1290485505, ClinGen allele CA404371401.
Genomic context (GRCh38, chr19:14,090,357, plus strand): 5'-GCGAGTCGATGGTGTCCAGGATCCACTCTTGGTAGTGCGGGGAAGCGGCGGACGACGAGG[C>T]GGCGGCCGCCGTGGTGGCGGCCGCCGCCGTCTCCGGCGGGGGTAGGGCCGGGGGCCCCGC-3'
Protein context (NP_612361.1, residues 12-32): TAAAATTAAA[Ala22Thr]SSSAASPHYQ